The following is an entry in ClinVar:

NM_001242.5(CD27):c.51G>C (p.Gly17=)

Genes: CD27 (CD27 molecule; plus strand), CD27-AS1 (CD27 antisense RNA 1; minus strand). Cytogenetic location: 12p13.31.
Variant type: single nucleotide variant.
Coding change: c.51G>C on transcript NM_001242.5 (MANE Select); coding-DNA position 51, G replaced by C.
Protein change: p.Gly17=; no amino-acid change (glycine 17 retained).
Molecular consequence: synonymous variant. On other transcripts: non-coding transcript variant (3), intron variant (3).
Genome position (GRCh38, 1-based): chr12:6,445,146, G>C. VCF-style: chr12-6445146-G-C. GRCh37 (hg19) VCF-style: chr12-6554312-G-C.
Other names: c.51G>C, p.Gly17= (NM_001413263.1, NM_001413264.1, NM_001413265.1); c.-402-278G>C (NM_001413267.1); c.-314-278G>C (NM_001413266.1, NM_001413268.1).
Identifiers: ClinVar variation 3031848 (VCV003031848.2), dbSNP rs2498104573, ClinGen allele CA478121527.
Genomic context (GRCh38, chr12:6,445,146, plus strand): 5'-GGCAGGGACCATGGCACGGCCACATCCCTGGTGGCTGTGCGTTCTGGGGACCCTGGTGGG[G>C]CTCTCAGCTACTCCAGCCCCCAAGAGCTGCCCAGAGAGGCACTACTGGGCTCAGGGAAAG-3'
Protein context (NP_001233.2, residues 7-27): WWLCVLGTLV[Gly17=]LSATPAPKSC

ClinVar aggregate classification (germline): Likely benign (0 of 4 stars; one submission).

Conditions:
CD27-related disorder. Also called: CD27-related condition.

Submission:

PreventionGenetics, part of Exact Sciences
Classification: Likely benign for CD27-related condition. Last evaluated: 2020-10-30. Review status: no assertion criteria provided. Collection method: clinical testing. Allele origin: germline.
Comment: This variant is classified as likely benign based on ACMG/AMP sequence variant interpretation guidelines (Richards et al. 2015 PMID: 25741868, with internal and published modifications).